The following is an entry in ClinVar:

ClinVar aggregate classification (germline): Likely benign. Review status: criteria provided, single submitter (1 of 4 stars). 2 submissions from 2 submitters: Likely benign (1). 1 of the submissions does not count toward it. Last evaluated 2024-12-02.

Conditions:
LZTFL1-related disorder. Also called: LZTFL1-related condition.

Allele frequency attached by ClinVar (database versions not stated): gnomAD exomes below 0.00001; gnomAD 0.00001; TOPMed 0.00002.
gnomAD v4.1: 3 of 1,614,068 alleles (0.00019%); highest among the groups gnomAD compares: African/African-American, 0.004%; no homozygotes.

Submissions (2):

Labcorp Genetics (formerly Invitae), Labcorp
Classification: Likely benign. Last evaluated: 2024-12-02. Review status: criteria provided, single submitter. Criteria: Invitae Variant Classification Sherloc (09022015). Collection method: clinical testing. Allele origin: germline.

PreventionGenetics, part of Exact Sciences
Classification: Likely benign for LZTFL1-related condition. Last evaluated: 2021-06-16. Review status: no assertion criteria provided. Collection method: clinical testing. Allele origin: germline. Not counted in ClinVar's aggregate classification.
Comment: This variant is classified as likely benign based on ACMG/AMP sequence variant interpretation guidelines (Richards et al. 2015 PMID: 25741868, with internal and published modifications).

NM_020347.4(LZTFL1):c.198T>C (p.His66=)

Gene: LZTFL1 (leucine zipper transcription factor like 1; minus strand). Cytogenetic location: 3p21.31.
Variant type: single nucleotide variant.
Coding change: c.198T>C on transcript NM_020347.4 (MANE Select); coding-DNA position 198, T replaced by C.
Protein change: p.His66=; no amino-acid change (histidine 66 retained).
Molecular consequence: synonymous variant. On other transcripts: non-coding transcript variant (1).
Genome position (GRCh38, 1-based): chr3:45,835,715, A>G on the plus strand (T>C on the coding strand, the complement: LZTFL1 is on the minus strand). VCF-style: chr3-45835715-A-G. GRCh37 (hg19) VCF-style: chr3-45877207-A-G.
Other names: c.198T>C (NM_020347.3); c.147T>C, p.His49= (NM_001276378.2, NM_001386451.1); c.186T>C, p.His62= (NM_001276379.2); c.198T>C, p.His66= (NM_001386452.1).
Identifiers: ClinVar variation 1051560 (VCV001051560.6), dbSNP rs1447988219, ClinGen allele CA433444992.
Genomic context (GRCh38, chr3:45,835,715, plus strand): 5'-CTGTCGCAGAAGTAACACATTGGTATAGGCAGTGTTGATGAGCTCAGATTCCACCTCACT[A>G]TGAACCACAGCTTGTAATCCATTGAGGACTTCAGAGACTTCATCTATGGTGAAGGTGTCC-3'
Protein context (NP_065080.1, residues 56-76): EVLNGLQAVV[His66=]SEVESELINT